The following is an entry in ClinVar:

ClinVar aggregate classification (germline): Uncertain significance. Review status: criteria provided, multiple submitters, no conflicts (2 of 4 stars). 4 submissions from 4 submitters: Uncertain significance (3). 1 of the submissions does not count toward it. Last evaluated 2024-04-02.

Conditions:
PROM1-related disorder. Also called: PROM1-related disorders; PROM1-related condition.
Inborn genetic diseases. Identifiers: MedGen C0950123, MeSH D030342.

Allele frequency attached by ClinVar (database versions not stated): gnomAD exomes below 0.00001 and 0.00001; TOPMed 0.00001; ExAC 0.00002; gnomAD 0.00002.
gnomAD v4.1: 10 of 1,612,038 alleles (0.00062%); highest among the groups gnomAD compares: East Asian, 0.018%; no homozygotes.

Submissions (4):

Blueprint Genetics
Classification: Uncertain significance. Last evaluated: 2024-04-02. Review status: criteria provided, single submitter. Criteria: ACMG Guidelines, 2015. Collection method: clinical testing. Allele origin: germline.

Ambry Genetics
Classification: Uncertain significance for Inborn genetic diseases. Last evaluated: 2023-02-28. Review status: criteria provided, single submitter. Criteria: Ambry Variant Classification Scheme 2023. Collection method: clinical testing. Allele origin: germline.

Labcorp Genetics (formerly Invitae), Labcorp
Classification: Uncertain significance. Last evaluated: 2020-06-23. Review status: criteria provided, single submitter. Criteria: Invitae Variant Classification Sherloc (09022015). Collection method: clinical testing. Allele origin: germline.
Comment: In summary, the available evidence is currently insufficient to determine the role of this variant in disease. Therefore, it has been classified as a Variant of Uncertain Significance. Algorithms developed to predict the effect of missense changes on protein structure and function (SIFT, PolyPhen-2, Align-GVGD) all suggest that this variant is likely to be tolerated, but these predictions have not been confirmed by published functional studies and their clinical significance is uncertain. This variant has not been reported in the literature in individuals with PROM1-related conditions. This variant is present in population databases (rs770248840, ExAC 0.02%). This sequence change replaces isoleucine with methionine at codon 215 of the PROM1 protein (p.Ile215Met). The isoleucine residue is weakly conserved and there is a small physicochemical difference between isoleucine and methionine.

PreventionGenetics, part of Exact Sciences
Classification: Uncertain significance for PROM1-related condition. Last evaluated: 2024-07-29. Review status: no assertion criteria provided. Collection method: clinical testing. Allele origin: germline. Not counted in ClinVar's aggregate classification.
Comment: The PROM1 c.645A>G variant is predicted to result in the amino acid substitution p.Ile215Met. To our knowledge, this variant has not been reported in the literature. This variant is reported in 0.015% of alleles in individuals of East Asian descent in gnomAD. At this time, the clinical significance of this variant is uncertain due to the absence of conclusive functional and genetic evidence.

NM_006017.3(PROM1):c.645A>G (p.Ile215Met)

Gene: PROM1 (prominin 1; minus strand). Cytogenetic location: 4p15.32.
Variant type: single nucleotide variant.
Coding change: c.645A>G on transcript NM_006017.3 (MANE Select); coding-DNA position 645, A replaced by G.
Protein change: p.Ile215Met; replaces isoleucine 215 with methionine.
Molecular consequence: missense variant.
Genome position (GRCh38, 1-based): chr4:16,024,344, T>C on the plus strand (A>G on the coding strand, the complement: PROM1 is on the minus strand). VCF-style: chr4-16024344-T-C. GRCh37 (hg19) VCF-style: chr4-16025967-T-C.
Other names: c.645A>G (NM_006017.2); c.618A>G, p.Ile206Met (NM_001145847.2, NM_001145848.2, NM_001145851.2 and 4 more transcripts); c.645A>G, p.Ile215Met (NM_001145849.2, NM_001145850.2); short protein forms I206M, I215M.
Identifiers: ClinVar variation 1018078 (VCV001018078.12), dbSNP rs770248840, ClinGen allele CA2867011.